The following is an entry in ClinVar:

NM_004208.4(AIFM1):c.8G>A (p.Arg3Gln)

Genes: AIFM1 (apoptosis inducing factor mitochondria associated 1; minus strand), RAB33A (RAB33A, member RAS oncogene family; plus strand), LOC130068679 (ATAC-STARR-seq lymphoblastoid active region 29939; plus strand). Cytogenetic location: Xq26.1.
Variant type: single nucleotide variant.
Coding change: c.8G>A on transcript NM_004208.4 (MANE Select); coding-DNA position 8, G replaced by A.
Protein change: p.Arg3Gln; replaces arginine 3 with glutamine.
Molecular consequence: missense variant. On other transcripts: non-coding transcript variant (1).
Genome position (GRCh38, 1-based): chrX:130,165,649, C>T on the plus strand (G>A on the coding strand, the complement: AIFM1 is on the minus strand). VCF-style: chrX-130165649-C-T. GRCh37 (hg19) VCF-style: chrX-129299623-C-T.
Other names: c.8G>A, p.Arg3Gln (NM_001130847.4, NM_145812.3); short protein forms R3Q.
Identifiers: ClinVar variation 1204071 (VCV001204071.20), dbSNP rs769299264, ClinGen allele CA10515552.
Genomic context (GRCh38, chrX:130,165,649, plus strand): 5'-ACGGTCCGCACCAAGGGCACCAGCTTCTGCTTCAAAGCACCCGCCGCCAGGCCTCCACAC[C>T]GGAACATTTCGGCGACCGCTATTCGGGACCTCCTCCTTCCCTTTCCTCTCACGCACGACC-3'
Protein context (NP_004199.1, residues 1-13): MF[Arg3Gln]CGGLAAGALK

ClinVar aggregate classification (germline): Conflicting classifications of pathogenicity. Review status: criteria provided, conflicting classifications (1 of 4 stars). 4 submissions from 4 submitters: Uncertain significance (2); Likely benign (2). Last evaluated 2025-07-01.

Conditions:
Combined oxidative phosphorylation deficiency. Identifiers: MedGen C4540031, MONDO:0000732.
Charcot-Marie-Tooth Neuropathy X. Identifiers: MedGen CN118851.
AIFM1-related disorder. Also called: AIFM1-related condition.

Allele frequency attached by ClinVar (database versions not stated): gnomAD 0.00002; ExAC 0.00003; gnomAD exomes 0.00003.
gnomAD v4.1: 49 of 1,191,885 alleles (0.0041%); highest among the groups gnomAD compares: Non-Finnish European, 0.0054%; no homozygotes.

Submissions (4):

CeGaT Center for Human Genetics Tuebingen
Classification: Likely benign. Last evaluated: 2025-07-01. Review status: criteria provided, single submitter. Criteria: CeGaT Center For Human Genetics Tuebingen Variant Classification Criteria Version 2. Collection method: clinical testing. Allele origin: germline. Affected: yes. Observed: 1 variant allele.
Comment: AIFM1: BS2

Labcorp Genetics (formerly Invitae), Labcorp
Classification: Uncertain significance for Charcot-Marie-Tooth Neuropathy X; Combined oxidative phosphorylation deficiency. Last evaluated: 2024-06-24. Review status: criteria provided, single submitter. Criteria: Invitae Variant Classification Sherloc (09022015). Collection method: clinical testing. Allele origin: germline.
Comment: This sequence change replaces arginine, which is basic and polar, with glutamine, which is neutral and polar, at codon 3 of the AIFM1 protein (p.Arg3Gln). The frequency data for this variant in the population databases is considered unreliable, as metrics indicate poor data quality at this position in the gnomAD database. This variant has not been reported in the literature in individuals affected with AIFM1-related conditions. ClinVar contains an entry for this variant (Variation ID: 1204071). Advanced modeling of protein sequence and biophysical properties (such as structural, functional, and spatial information, amino acid conservation, physicochemical variation, residue mobility, and thermodynamic stability) has been performed at Invitae for this missense variant, however the output from this modeling did not meet the statistical confidence thresholds required to predict the impact of this variant on AIFM1 protein function. In summary, the available evidence is currently insufficient to determine the role of this variant in disease. Therefore, it has been classified as a Variant of Uncertain Significance.

PreventionGenetics, part of Exact Sciences
Classification: Uncertain significance for AIFM1-related condition. Last evaluated: 2023-08-10. Review status: criteria provided, single submitter. Criteria: ACMG Guidelines, 2015. Collection method: clinical testing. Allele origin: germline.
Comment: The AIFM1 c.8G>A variant is predicted to result in the amino acid substitution p.Arg3Gln. To our knowledge, this variant has not been reported in the literature. This variant is reported in 0.0063% of alleles in individuals of European (Non-Finnish) descent in gnomAD. At this time, the clinical significance of this variant is uncertain due to the absence of conclusive functional and genetic evidence.

GeneDx
Classification: Likely benign. Last evaluated: 2015-03-03. Review status: criteria provided, single submitter. Criteria: GeneDx Variant Classification Process June 2021. Collection method: clinical testing. Allele origin: germline. Affected: yes.